The following is an entry in ClinVar:

ClinVar aggregate classification (germline): Uncertain significance. Review status: criteria provided, multiple submitters, no conflicts (2 of 4 stars). 2 submissions from 2 submitters: Uncertain significance (2). Last evaluated 2025-01-08.

Conditions:
Inborn genetic diseases. Identifiers: MedGen C0950123, MeSH D030342.
Immunodeficiency 28 (IMD28). Also called: IFNGR2 DEFICIENCY. Identifiers: Orphanet 319547, Orphanet 319574, MedGen C4013947, MONDO:0013953, OMIM 614889.

Allele frequency attached by ClinVar (database versions not stated): gnomAD exomes 0.00004; ESP Exome Variant Server 0.00031; ExAC 0.00006.
gnomAD v4.1: 33 of 1,613,968 alleles (0.002%); highest among the groups gnomAD compares: Non-Finnish European, 0.0026%; no homozygotes.

Submissions (2):

Ambry Genetics
Classification: Uncertain significance for Inborn genetic diseases. Last evaluated: 2025-01-08. Review status: criteria provided, single submitter. Criteria: Ambry Variant Classification Scheme 2023. Collection method: clinical testing. Allele origin: germline.

Labcorp Genetics (formerly Invitae), Labcorp
Classification: Uncertain significance for Immunodeficiency 28. Last evaluated: 2021-08-30. Review status: criteria provided, single submitter. Criteria: Invitae Variant Classification Sherloc (09022015). Collection method: clinical testing. Allele origin: germline.
Comment: This sequence change replaces serine with threonine at codon 242 of the IFNGR2 protein (p.Ser242Thr). The serine residue is moderately conserved and there is a small physicochemical difference between serine and threonine. This variant is present in population databases (rs145216430, ExAC 0.01%). This variant has not been reported in the literature in individuals affected with IFNGR2-related conditions. Algorithms developed to predict the effect of missense changes on protein structure and function output the following: SIFT: "Tolerated"; PolyPhen-2: "Benign"; Align-GVGD: "Class C0". The threonine amino acid residue is found in multiple mammalian species, which suggests that this missense change does not adversely affect protein function. In summary, the available evidence is currently insufficient to determine the role of this variant in disease. Therefore, it has been classified as a Variant of Uncertain Significance.

NM_005534.4(IFNGR2):c.724T>A (p.Ser242Thr)

Genes: IFNGR2 (interferon gamma receptor 2; plus strand), TMEM50B (transmembrane protein 50B; minus strand). Cytogenetic location: 21q22.11.
Variant type: single nucleotide variant.
Coding change: c.724T>A on transcript NM_005534.4 (MANE Select); coding-DNA position 724, T replaced by A.
Protein change: p.Ser242Thr; replaces serine 242 with threonine.
Molecular consequence: missense variant. On other transcripts: non-coding transcript variant (1).
Genome position (GRCh38, 1-based): chr21:33,432,716, T>A. VCF-style: chr21-33432716-T-A. GRCh37 (hg19) VCF-style: chr21-34805023-T-A.
Other names: c.781T>A, p.Ser261Thr (NM_001329128.2); c.724T>A (NM_005534.3); short protein forms S261T, S242T.
Identifiers: ClinVar variation 1418842 (VCV001418842.6), dbSNP rs145216430, ClinGen allele CA10007014.